The following is an entry in ClinVar:

NM_000535.7(PMS2):c.2404C>T (p.Arg802Ter)

Gene: PMS2 (PMS1 homolog 2, mismatch repair system component; minus strand). Cytogenetic location: 7p22.1.
Variant type: single nucleotide variant.
Coding change: c.2404C>T on transcript NM_000535.7 (MANE Select); coding-DNA position 2404, C replaced by T.
Protein change: p.Arg802Ter; replaces arginine 802 with a stop codon.
Molecular consequence: nonsense. On other transcripts: non-coding transcript variant (1).
Genome position (GRCh38, 1-based): chr7:5,977,629, G>A on the plus strand (C>T on the coding strand, the complement: PMS2 is on the minus strand). VCF-style: chr7-5977629-G-A. GRCh37 (hg19) VCF-style: chr7-6017260-G-A.
Other names: p.Arg802*; c.2248C>T, p.Arg750Ter (NM_001322006.2); c.2086C>T, p.Arg696Ter (NM_001322007.2, NM_001322008.2); c.2032C>T, p.Arg678Ter (NM_001322009.2); c.1843C>T, p.Arg615Ter (NM_001322010.2); c.1471C>T, p.Arg491Ter (NM_001322011.2, NM_001322012.2); c.1831C>T, p.Arg611Ter (NM_001322013.2); c.2437C>T, p.Arg813Ter (NM_001322014.2); and 2 more; short protein forms R802*, R491*, R696*, R699*, R611*, R750*, R615*, R667*.
Identifiers: ClinVar variation 9237 (VCV000009237.43), dbSNP rs63751466, ClinGen allele CA011441.

ClinVar aggregate classification (germline): Pathogenic. Review status: reviewed by expert panel (3 of 4 stars). 26 submissions from 26 submitters: Pathogenic (1). 25 of the submissions do not count toward it. Last evaluated 2013-09-05.

Conditions:
Mismatch repair cancer syndrome 4. Identifiers: MedGen C5436817, MONDO:0030843, OMIM 619101.
Lynch syndrome 4 (LYNCH4). Also called: Hereditary non-polyposis colorectal cancer, type 4; Colorectal cancer, hereditary nonpolyposis, type 4. Identifiers: Orphanet 144, MedGen C1838333, MONDO:0013699, OMIM 614337. Disease mechanism: loss of function.
Inherited MMR deficiency (Lynch syndrome).
PMS2-related disorder. Also called: PMS2-related condition.
Hereditary nonpolyposis colon cancer (HNPCC). Also called: Hereditary Nonpolyposis Colorectal Cancer Syndrome; Hereditary nonpolyposis colorectal cancer; Familial nonpolyposis colon cancer. Identifiers: Orphanet 443909, MedGen C1333990, MONDO:0018630. Disease mechanism: loss of function.
Hereditary nonpolyposis colorectal neoplasms. Identifiers: MedGen C0009405, MeSH D003123.
Rhabdomyosarcoma. Also called: Rhabdomyosarcoma (disease). Identifiers: Orphanet 780, MedGen C0035412, MeSH D012208, MONDO:0005212, HP:0002859.
Hereditary cancer-predisposing syndrome. Also called: Tumor predisposition; Hereditary neoplastic syndrome; Neoplastic Syndromes, Hereditary; Hereditary Cancer Syndrome. Identifiers: Orphanet 140162, MedGen C0027672, MeSH D009386, MONDO:0015356.
Lynch syndrome. Identifiers: Orphanet 144, MedGen C4552100, MONDO:0005835. Disease mechanism: loss of function.
Mismatch repair cancer syndrome 1 (MMRCS1). Also called: MISMATCH REPAIR DEFICIENCY; BRAIN TUMOR-POLYPOSIS SYNDROME 1; BTP1 SYNDROME; CHILDHOOD CANCER SYNDROME; MMR DEFICIENCY. Identifiers: Orphanet 252202, MedGen C5399763, MONDO:0010159, OMIM 276300. Disease mechanism: loss of function.

Allele frequency attached by ClinVar (database versions not stated): gnomAD exomes 0.00002 and 0.00003; gnomAD 0.00001.

Submissions 1 to 8 of 26:

International Society for Gastrointestinal Hereditary Tumours (InSiGHT)
Classification: Pathogenic for Lynch Syndrome. Last evaluated: 2013-09-05. Review status: reviewed by expert panel. Criteria: Guidelines v1.9. Collection method: research. Allele origin: germline.
Comment: Coding sequence variation resulting in a stop codon

Classified with v1.9 guidelines

NHS Central & South Genomic Laboratory Hub
Classification: Pathogenic for Inherited MMR deficiency (Lynch syndrome). Last evaluated: 2026-10-06. Review status: criteria provided, single submitter. Criteria: ACMG Guidelines, 2015. Collection method: clinical testing. Allele origin: germline. Affected: yes. Not counted in ClinVar's aggregate classification.

PreventionGenetics, part of Exact Sciences
Classification: Pathogenic for PMS2-related condition. Last evaluated: 2026-07-28. Review status: criteria provided, single submitter. Criteria: ACMG Guidelines, 2015. Collection method: clinical testing. Allele origin: germline. Not counted in ClinVar's aggregate classification.
Comment: The PMS2 c.2404C>T variant is predicted to result in premature protein termination (p.Arg802*). This variant has been reported in individuals with Lynch syndrome (Table 1, Senter et al. 2008. PubMed ID: 18602922; Table S2, ten Broeke et al. 2015. PubMed ID: 25512458; Table S2, Rosty. 2016. PubMed ID: 26895986; Table 1, Okkels et al. 2019. PubMed ID: 31433215; Table 2, Manchana and Triratanachat. 2021. PubMed ID: 34048176). It has been reported in a case of pediatric embryonal rhabdomyosarcoma (Table 3, referred to as 7:6017260G>A, Li et al. 2020. PubMed ID: 33372952). It has also been reported in the homozygous state and presumed compound heterozygous state in individuals with constitutional mismatch repair deficiency syndrome (De Vos et al. 2004. PubMed ID: 15077197; De Vos et al. 2006. PubMed ID: 16507833; Perez-Valencia et al. 2020. PubMed ID: 32773772; Gupta et al. 2020. PubMed ID: 32876971). This variant is reported in 0.014% of alleles in individuals of South Asian descent in gnomAD; however, this region has high homology with the pseudogene PMS2CL, and data should be interpreted with caution. Nonsense variants in PMS2 are expected to be pathogenic. This variant is interpreted as pathogenic.

Genetics Laboratory, Great Ormond Street Hospital NHS Foundation Trust, North Thames Genomic Laboratory Hub
Classification: Pathogenic for Inherited MMR deficiency (Lynch syndrome). Last evaluated: 2026-03-12. Review status: criteria provided, single submitter. Criteria: CanVIG MMR Gene Specific V1.7. Collection method: clinical testing. Allele origin: germline. Affected: yes. Not counted in ClinVar's aggregate classification.
Comment: PVS1_moderate, PM3_moderate, PP4_very-strong

Labcorp Genetics (formerly Invitae), Labcorp
Classification: Pathogenic for Hereditary nonpolyposis colorectal neoplasms. Last evaluated: 2025-12-16. Review status: criteria provided, single submitter. Criteria: Invitae Variant Classification Sherloc (09022015). Collection method: clinical testing. Allele origin: germline. Not counted in ClinVar's aggregate classification.
Comment: This sequence change creates a premature translational stop signal (p.Arg802*) in the PMS2 gene. While this is not anticipated to result in nonsense mediated decay, it is expected to disrupt the last 61 amino acid(s) of the PMS2 protein. The frequency data for this variant in the population databases (gnomAD) is considered unreliable due to the presence of homologous sequence, such as pseudogenes or paralogs, in the genome. This premature translational stop signal has been observed in individual(s) with Lynch syndrome-related cancers and childhood-onset hematological malignancies and brain tumors (PMID: 15077197, 16507833, 18602922, 25512458, 26110232, 26895986, 28805995). It has also been observed to segregate with disease in related individuals. Invitae Evidence Modeling of clinical and family history, age, sex, and reported ancestry of multiple individuals with this PMS2 variant has been performed. This variant is expected to be pathogenic with a positive predictive value of at least 99%. This is a validated machine learning model that incorporates the clinical features of 1,627,235 individuals referred to our laboratory for PMS2 testing. ClinVar contains an entry for this variant (Variation ID: 9237). This variant disrupts a region of the PMS2 protein in which other variant(s) (p.Met834Glyfs*17) have been determined to be pathogenic (PMID: 2440087, 10037723, 21618646, 23012243). This suggests that this is a clinically significant region of the protein, and that variants that disrupt it are likely to be disease-causing. For these reasons, this variant has been classified as Pathogenic.

Ambry Genetics
Classification: Pathogenic for Hereditary cancer-predisposing syndrome. Last evaluated: 2025-03-13. Review status: criteria provided, single submitter. Criteria: Ambry Variant Classification Scheme 2023. Collection method: clinical testing. Allele origin: germline. Not counted in ClinVar's aggregate classification.
Comment: The p.R802* pathogenic mutation (also known as c.2404C>T), located in coding exon 14 of the PMS2 gene, results from a C to T substitution at nucleotide position 2404. This changes the amino acid from an arginine to a stop codon within coding exon 14. This alteration occurs at the 3' terminus of thePMS2 gene, is not expected to trigger nonsense-mediated mRNA decay, and impacts the last 7% of the protein. However, premature stop codons are typically deleterious in nature and a significant portion of the protein is affected (Ambry internal data). This variant was first reported in an endometrial carcinoma cell line and was observed to result in a truncated protein (Risinger JI et al. J. Biol. Chem. 1995 Aug;270(31):18183-6). Furthermore, this alteration has been reported in multiple individuals diagnosed with colorectal cancer, whose tumors showed loss of PMS2 on immunohistochemistry (IHC) (Senter L et al. Gastroenterology. 2008 Aug;135(2):419-28; Rosty C et al. BMJ Open. 2016 Feb;6:e010293). This alteration has also been reported in a homozygous or compound heterozygous state with another PMS2 mutation in patients whose features include hematologic malignancies, brain tumors, and caf&eacute;-au-lait spots, which are consistent with the phenotype of biallelic PMS2 mutation carriers (CMMRD) (De Vos M et al. J. Natl. Cancer Inst. 2006 Mar;98(5):358-61; Plon SE et al. Cancer Genet. 2011 Jan;204:19-25; Andrianova MA et al. J. Pathol. 2017 Nov;243:331-341). Based on the supporting evidence, this variant is interpreted as a disease-causing mutation.

Center for Genomic Medicine, Rigshospitalet, Copenhagen University Hospital
Classification: Pathogenic. Last evaluated: 2025-03-04. Review status: criteria provided, single submitter. Criteria: ACMG Guidelines, 2015. Collection method: clinical testing. Allele origin: germline. Not counted in ClinVar's aggregate classification.

Color Diagnostics, LLC DBA Color Health
Classification: Pathogenic for Hereditary cancer-predisposing syndrome. Last evaluated: 2025-01-07. Review status: criteria provided, single submitter. Criteria: ACMG Guidelines, 2015. Collection method: clinical testing. Allele origin: germline. Not counted in ClinVar's aggregate classification.
Comment: This variant changes 1 nucleotide in exon 14 of the PMS2 gene, creating a premature translation stop signal in the last coding exon. This mutant transcript may escape nonsense-mediated decay and be expressed as a truncated protein although protein expression studies have reported no detectable protein in patient tissue or cell culture (PMID: 7629132, 18824584). A cell line expressing this variant showed deficient DNA repair activity (PMID: 7629132). This variant has been reported in individuals affected with Lynch syndrome (PMID: 18602922, 26110232, 26895986, 34048176) or constitutional mismatch repair deficiency (PMID: 16507833, 28805995, 31433215). This variant has been identified in 6/221710 chromosomes in the general population by the Genome Aggregation Database (gnomAD). However this observed allele frequency is not considered reliable since the gnomAD dataset does not disambiguate possible interference from homologous sequences in the PMS2CL pseudogene. Loss of PMS2 function is a known mechanism of disease. Based on the available evidence, this variant is classified as Pathogenic.